The following is an entry in ClinVar:

NM_000717.5(CA4):c.190G>A (p.Asp64Asn)

Gene: CA4 (carbonic anhydrase 4; plus strand). Cytogenetic location: 17q23.1.
Variant type: single nucleotide variant.
Coding change: c.190G>A on transcript NM_000717.5 (MANE Select); coding-DNA position 190, G replaced by A.
Protein change: p.Asp64Asn; replaces aspartic acid 64 with asparagine.
Molecular consequence: missense variant. On other transcripts: non-coding transcript variant (1).
Genome position (GRCh38, 1-based): chr17:60,156,637, G>A. VCF-style: chr17-60156637-G-A. GRCh37 (hg19) VCF-style: chr17-58233998-G-A.
Other names: short protein forms D64N.
Identifiers: ClinVar variation 1040844 (VCV001040844.10), dbSNP rs2083690089, ClinGen allele CA400453563.

ClinVar aggregate classification (germline): Uncertain significance (1 of 4 stars; one submission).

Allele frequency attached by ClinVar (database versions not stated): TOPMed below 0.00001.

Submission:

Labcorp Genetics (formerly Invitae), Labcorp
Classification: Uncertain significance. Last evaluated: 2022-02-05. Review status: criteria provided, single submitter. Criteria: Invitae Variant Classification Sherloc (09022015). Collection method: clinical testing. Allele origin: germline.
Comment: In summary, the available evidence is currently insufficient to determine the role of this variant in disease. Therefore, it has been classified as a Variant of Uncertain Significance. Algorithms developed to predict the effect of missense changes on protein structure and function output the following: SIFT: "Not Available"; PolyPhen-2: "Benign"; Align-GVGD: "Not Available". The asparagine amino acid residue is found in multiple mammalian species, which suggests that this missense change does not adversely affect protein function. ClinVar contains an entry for this variant (Variation ID: 1040844). This variant has not been reported in the literature in individuals affected with CA4-related conditions. This variant is not present in population databases (gnomAD no frequency). This sequence change replaces aspartic acid, which is acidic and polar, with asparagine, which is neutral and polar, at codon 64 of the CA4 protein (p.Asp64Asn).